The following is an entry in ClinVar:

ClinVar aggregate classification (germline): Uncertain significance (1 of 4 stars; one submission).

Conditions:
Autosomal recessive limb-girdle muscular dystrophy type 2O. Also called: Limb-Girdle Muscular Dystrophy Type 3C; MUSCULAR DYSTROPHY-DYSTROGLYCANOPATHY (LIMB-GIRDLE), TYPE C, 3; MUSCULAR DYSTROPHY-DYSTROGLYCANOPATHY, LIMB-GIRDLE, POMGNT1-RELATED. Identifiers: Orphanet 206564, MedGen C3150417, MONDO:0013161, OMIM 613157.
Muscular dystrophy-dystroglycanopathy (congenital with impaired intellectual development), type B, 3. Also called: MUSCULAR DYSTROPHY, CONGENITAL, POMGNT1-RELATED; Muscular dystrophy-dystroglycanopathy (congenital with intellectual disability), type B3. Identifiers: MedGen C3150412, MONDO:0013155, OMIM 613151.

Allele frequency attached by ClinVar (database versions not stated): gnomAD exomes 0.00002; TOPMed below 0.00001.
gnomAD v4.1: 33 of 1,604,826 alleles (0.0021%); highest among the groups gnomAD compares: Non-Finnish European, 0.0027%; no homozygotes.

Submission:

Labcorp Genetics (formerly Invitae), Labcorp
Classification: Uncertain significance for Autosomal recessive limb-girdle muscular dystrophy type 2O; Muscular dystrophy-dystroglycanopathy (congenital with impaired intellectual development), type B, 3. Last evaluated: 2021-10-14. Review status: criteria provided, single submitter. Criteria: Invitae Variant Classification Sherloc (09022015). Collection method: clinical testing. Allele origin: germline.
Comment: This sequence change replaces glycine with serine at codon 170 of the POMGNT1 protein (p.Gly170Ser). The glycine residue is highly conserved and there is a small physicochemical difference between glycine and serine. This variant is not present in population databases (ExAC no frequency). This variant has not been reported in the literature in individuals affected with POMGNT1-related conditions. Advanced modeling of protein sequence and biophysical properties (such as structural, functional, and spatial information, amino acid conservation, physicochemical variation, residue mobility, and thermodynamic stability) performed at Invitae indicates that this missense variant is not expected to disrupt POMGNT1 protein function. In summary, the available evidence is currently insufficient to determine the role of this variant in disease. Therefore, it has been classified as a Variant of Uncertain Significance.

NM_017739.4(POMGNT1):c.508G>A (p.Gly170Ser)

Genes: POMGNT1 (protein O-linked mannose N-acetylglucosaminyltransferase 1 (beta 1,2-); minus strand), TSPAN1 (tetraspanin 1; plus strand). Cytogenetic location: 1p34.1.
Variant type: single nucleotide variant.
Coding change: c.508G>A on transcript NM_017739.4 (MANE Select); coding-DNA position 508, G replaced by A.
Protein change: p.Gly170Ser; replaces glycine 170 with serine.
Molecular consequence: missense variant.
Genome position (GRCh38, 1-based): chr1:46,195,837, C>T on the plus strand (G>A on the coding strand, the complement: POMGNT1 is on the minus strand). VCF-style: chr1-46195837-C-T. GRCh37 (hg19) VCF-style: chr1-46661509-C-T.
Other names: c.508G>A, p.Gly170Ser (NM_001243766.2, NM_001410783.1); c.442G>A, p.Gly148Ser (NM_001290129.3); c.79G>A, p.Gly27Ser (NM_001290130.2); short protein forms G148S, G170S, G27S.
Identifiers: ClinVar variation 1351736 (VCV001351736.5), dbSNP rs1164265990, ClinGen allele CA340188065.
Genomic context (GRCh38, chr1:46,195,837, plus strand): 5'-GAGTAGGGGTCAGGGTCAGGACAGAATAACTGACCTTGACAGTGCAGATGAGCACTCGGC[C>T]GGGCGCTACCATGTTGAGGAATAGCACCATGGCCTCATCCTCATGAGGTGAGTACGTGTC-3'
Protein context (NP_060209.4, residues 160-180): MVLFLNMVAP[Gly170Ser]RVLICTVKDE